The following is an entry in ClinVar:

NM_000435.3(NOTCH3):c.3366C>T (p.Asp1122=)

Gene: NOTCH3 (notch receptor 3; minus strand). Cytogenetic location: 19p13.12.
Variant type: single nucleotide variant.
Coding change: c.3366C>T on transcript NM_000435.3 (MANE Select); coding-DNA position 3366, C replaced by T.
Protein change: p.Asp1122=; no amino-acid change (aspartic acid 1122 retained).
Molecular consequence: synonymous variant.
Genome position (GRCh38, 1-based): chr19:15,179,458, G>A on the plus strand (C>T on the coding strand, the complement: NOTCH3 is on the minus strand). VCF-style: chr19-15179458-G-A. GRCh37 (hg19) VCF-style: chr19-15290269-G-A.
Other names: c.3366C>T (NM_000435.2).
Identifiers: ClinVar variation 2176032 (VCV002176032.5), dbSNP rs1276018987, ClinGen allele CA506077875.

ClinVar aggregate classification (germline): Likely benign. Review status: criteria provided, multiple submitters, no conflicts (2 of 4 stars). 2 submissions from 2 submitters: Likely benign (2). Last evaluated 2025-05-19.

Allele frequency attached by ClinVar (database versions not stated): TOPMed below 0.00001; gnomAD 0.00001; gnomAD exomes 0.00001.
gnomAD v4.1: 16 of 1,613,898 alleles (0.00099%); highest among the groups gnomAD compares: East Asian, 0.0045%; no homozygotes.

Submissions (2):

Athena Diagnostics
Classification: Likely benign. Last evaluated: 2025-05-19. Review status: criteria provided, single submitter. Criteria: Athena Diagnostics Criteria. Collection method: clinical testing. Allele origin: unknown.
Comment: Computational tools yielded predictions that this variant is unlikely to have an effect on normal RNA splicing. This nucleotide position exhibits low evolutionary conservation.

Labcorp Genetics (formerly Invitae), Labcorp
Classification: Likely benign. Last evaluated: 2022-10-13. Review status: criteria provided, single submitter. Criteria: Invitae Variant Classification Sherloc (09022015). Collection method: clinical testing. Allele origin: germline.